The following is an entry in ClinVar:

NM_005802.5(TOPORS):c.2404C>T (p.His802Tyr)

Gene: TOPORS (TOP1 binding arginine/serine rich protein, E3 ubiquitin ligase; minus strand). Cytogenetic location: 9p21.1.
Variant type: single nucleotide variant.
Coding change: c.2404C>T on transcript NM_005802.5 (MANE Select); coding-DNA position 2404, C replaced by T.
Protein change: p.His802Tyr; replaces histidine 802 with tyrosine.
Molecular consequence: missense variant.
Genome position (GRCh38, 1-based): chr9:32,542,121, G>A on the plus strand (C>T on the coding strand, the complement: TOPORS is on the minus strand). VCF-style: chr9-32542121-G-A. GRCh37 (hg19) VCF-style: chr9-32542119-G-A.
Other names: c.2209C>T, p.His737Tyr (NM_001195622.2); c.2404C>T (NM_005802.4); short protein forms H737Y, H802Y.
Identifiers: ClinVar variation 2119315 (VCV002119315.6), dbSNP rs2489447069, ClinGen allele CA373163820.

ClinVar aggregate classification (germline): Uncertain significance. Review status: criteria provided, multiple submitters, no conflicts (2 of 4 stars). 3 submissions from 3 submitters: Uncertain significance (3). Last evaluated 2023-12-11.

Conditions:
Inborn genetic diseases. Identifiers: MedGen C0950123, MeSH D030342.

Allele frequency attached by ClinVar (database versions not stated): gnomAD exomes below 0.00001.

Submissions (3):

Labcorp Genetics (formerly Invitae), Labcorp
Classification: Uncertain significance. Last evaluated: 2023-12-11. Review status: criteria provided, single submitter. Criteria: Invitae Variant Classification Sherloc (09022015). Collection method: clinical testing. Allele origin: germline.
Comment: This sequence change replaces histidine, which is basic and polar, with tyrosine, which is neutral and polar, at codon 802 of the TOPORS protein (p.His802Tyr). This variant is not present in population databases (gnomAD no frequency). This variant has not been reported in the literature in individuals affected with TOPORS-related conditions. ClinVar contains an entry for this variant (Variation ID: 2119315). Experimental studies and prediction algorithms are not available or were not evaluated, and the functional significance of this variant is currently unknown. In summary, the available evidence is currently insufficient to determine the role of this variant in disease. Therefore, it has been classified as a Variant of Uncertain Significance.

Ambry Genetics
Classification: Uncertain significance for Inborn genetic diseases. Last evaluated: 2023-11-02. Review status: criteria provided, single submitter. Criteria: Ambry Variant Classification Scheme 2023. Collection method: clinical testing. Allele origin: germline.

Blueprint Genetics
Classification: Uncertain significance. Last evaluated: 2022-10-27. Review status: criteria provided, single submitter. Criteria: ACMG Guidelines, 2015. Collection method: clinical testing. Allele origin: germline.